The following is an entry in ClinVar:

NM_001267550.2(TTN):c.77984G>A (p.Gly25995Asp)

Genes: TTN (titin; minus strand), TTN-AS1 (TTN antisense RNA 1; plus strand). Cytogenetic location: 2q31.2.
Variant type: single nucleotide variant.
Coding change: c.77984G>A on transcript NM_001267550.2 (MANE Select); coding-DNA position 77984, G replaced by A.
Protein change: p.Gly25995Asp; replaces glycine 25995 with aspartic acid.
Molecular consequence: missense variant.
Genome position (GRCh38, 1-based): chr2:178,568,148, C>T on the plus strand (G>A on the coding strand, the complement: TTN is on the minus strand). VCF-style: chr2-178568148-C-T. GRCh37 (hg19) VCF-style: chr2-179432875-C-T.
Other names: c.73061G>A, p.Gly24354Asp (NM_001256850.1); c.50789G>A, p.Gly16930Asp (NM_003319.4); c.70280G>A, p.Gly23427Asp (NM_133378.4); c.51164G>A, p.Gly17055Asp (NM_133432.3); c.51365G>A, p.Gly17122Asp (NM_133437.4); short protein forms G16930D, G17055D, G17122D, G23427D, G24354D, G25995D.
Identifiers: ClinVar variation 995658 (VCV000995658.9), dbSNP rs745801476, ClinGen allele CA60991764.

ClinVar aggregate classification (germline): Uncertain significance. Review status: criteria provided, multiple submitters, no conflicts (2 of 4 stars). 2 submissions from 2 submitters: Uncertain significance (2). Last evaluated 2021-11-16.

Conditions:
Hypertrophic cardiomyopathy 9. Also called: Familial hypertrophic cardiomyopathy 9. Identifiers: MedGen C1861065, MONDO:0013412, OMIM 613765.
Early-onset myopathy with fatal cardiomyopathy (CMYO5). Also called: CONGENITAL MYOPATHY 5 WITH CARDIOMYOPATHY; Salih Myopathy. Identifiers: Orphanet 289377, MedGen C2673677, MONDO:0012714, OMIM 611705. Disease mechanism: loss of function.
Myopathy, myofibrillar, 9, with early respiratory failure (MFM9). Also called: EDSTROM MYOPATHY; MYOPATHY, PROXIMAL, WITH EARLY RESPIRATORY MUSCLE INVOLVEMENT; Hereditary myopathy with early respiratory failure; Myopathy, distal, with early respiratory failure, autosomal dominant. Identifiers: Orphanet 178464, Orphanet 34521, MedGen C1863599, MONDO:0011362, OMIM 603689.
Tibial muscular dystrophy (TMD). Also called: Tibial muscular dystrophy, tardive; UDD MYOPATHY; Udd Distal Myopathy – Tibial Muscular Dystrophy. Identifiers: Orphanet 609, MedGen C1838244, MONDO:0010870, OMIM 600334.
Dilated cardiomyopathy 1G (CMD1G). Identifiers: Orphanet 154, MedGen C1858763, MONDO:0011400, OMIM 604145.
Autosomal recessive limb-girdle muscular dystrophy type 2J (LGMDR10). Also called: Limb-girdle muscular dystrophy, type 2J; MUSCULAR DYSTROPHY, LIMB-GIRDLE, AUTOSOMAL RECESSIVE 10. Identifiers: Orphanet 140922, MedGen C1837342, MONDO:0012127, OMIM 608807.

Allele frequency attached by ClinVar (database versions not stated): gnomAD 0.00001.
gnomAD v4.1: 1 of 1,613,322 alleles (0.000062%); highest among the groups gnomAD compares: Non-Finnish European, 0.000085%; no homozygotes.

Submissions (2):

Fulgent Genetics
Classification: Uncertain significance for Tibial muscular dystrophy; Myopathy, myofibrillar, 9, with early respiratory failure; Dilated cardiomyopathy 1G; Autosomal recessive limb-girdle muscular dystrophy type 2J; Early-onset myopathy with fatal cardiomyopathy; Hypertrophic cardiomyopathy 9. Last evaluated: 2021-11-16. Review status: criteria provided, single submitter. Criteria: ACMG Guidelines, 2015. Collection method: clinical testing. Allele origin: unknown.

ARUP Laboratories, Molecular Genetics and Genomics, ARUP Laboratories
Classification: Uncertain significance. Last evaluated: 2019-09-14. Review status: criteria provided, single submitter. Criteria: ARUP Molecular Germline Variant Investigation Process. Collection method: clinical testing. Allele origin: germline.
Comment: The TTN c.77984G>A; p.Gly25995Asp variant (rs745801476) is rare in the general population (<1% allele frequency in the Genome Aggregation Database) and has not been reported in the medical literature in association with dilated cardiomyopathy (DCM) or other TTN-related disease. The clinical relevance of rare missense variants in this gene, which are identified on average once per individual sequenced in affected populations (Herman 2012), is not well understood. Yet, evidence suggests that the vast majority of such missense variants do not contribute to the clinical outcome of DCM (Begay 2015). Thus, the clinical significance of the p.Gly25995Asp variant cannot be determined with certainty. References: Begay RL et al. Role of Titin Missense Variants in Dilated Cardiomyopathy. J Am Heart Assoc. 2015 Nov 13;4(11). Herman DS et al. Truncations of titin causing dilated cardiomyopathy. N Engl J Med. 2012 Feb 16;366(7):619-28.